The following is an entry in ClinVar:

ClinVar aggregate classification (germline): Uncertain significance. Review status: criteria provided, multiple submitters, no conflicts (2 of 4 stars). 2 submissions from 2 submitters: Uncertain significance (2). Last evaluated 2024-04-18.

Conditions:
Beckwith-Wiedemann syndrome (BWS). Also called: EMG SYNDROME; Exomphalos macroglossia gigantism syndrome. Identifiers: Orphanet 116, MedGen C0004903, MONDO:0007534, OMIM 130650.
IMAGe syndrome. Also called: Intrauterine growth retardation, metaphyseal dysplasia, adrenal hypoplasia congenita, and genital anomalies; Intrauterine Growth Restriction, Metaphyseal Dysplasia, Adrenal Hypoplasia Congenita, and Genital Anomalies. Identifiers: Orphanet 85173, MedGen C1846009, MONDO:0013873, OMIM 614732.

Allele frequency attached by ClinVar (database versions not stated): gnomAD exomes below 0.00001.
gnomAD v4.1: 1 of 1,467,520 alleles (0.000068%); highest among the groups gnomAD compares: South Asian, 0.0012%; no homozygotes.

Submissions (2):

Fulgent Genetics
Classification: Uncertain significance for Beckwith-Wiedemann syndrome; IMAGe syndrome. Last evaluated: 2024-04-18. Review status: criteria provided, single submitter. Criteria: ACMG Guidelines, 2015. Collection method: clinical testing. Allele origin: germline.

Labcorp Genetics (formerly Invitae), Labcorp
Classification: Uncertain significance for Beckwith-Wiedemann syndrome. Last evaluated: 2018-06-18. Review status: criteria provided, single submitter. Criteria: Invitae Variant Classification Sherloc (09022015). Collection method: clinical testing. Allele origin: germline.
Comment: In summary, the available evidence is currently insufficient to determine the role of this variant in disease. Therefore, it has been classified as a Variant of Uncertain Significance. This sequence change replaces glycine with arginine at codon 231 of the CDKN1C protein (p.Gly231Arg). The glycine residue is weakly conserved and there is a moderate physicochemical difference between glycine and arginine. This variant is not present in population databases (ExAC no frequency). This variant has not been reported in the literature in individuals with CDKN1C-related disease.

NM_001122630.2(CDKN1C):c.658G>A (p.Gly220Arg)

Gene: CDKN1C (cyclin dependent kinase inhibitor 1C; minus strand). Cytogenetic location: 11p15.4.
Variant type: single nucleotide variant.
Coding change: c.658G>A on transcript NM_001122630.2 (MANE Select); coding-DNA position 658, G replaced by A.
Protein change: p.Gly220Arg; replaces glycine 220 with arginine.
Molecular consequence: missense variant. On other transcripts: intron variant (1).
Genome position (GRCh38, 1-based): chr11:2,884,799, C>T on the plus strand (G>A on the coding strand, the complement: CDKN1C is on the minus strand). VCF-style: chr11-2884799-C-T. GRCh37 (hg19) VCF-style: chr11-2906029-C-T.
Other names: c.691G>A, p.Gly231Arg (NM_000076.2, NM_001362474.2, LRG_533t1); c.658G>A, p.Gly220Arg (NM_001122631.2); c.255+403G>A (NM_001362475.2); short protein forms G231R, G220R.
Identifiers: ClinVar variation 572435 (VCV000572435.9), dbSNP rs1564929482, ClinGen allele CA379145853.